The following is an entry in ClinVar:

ClinVar aggregate classification (germline): Likely benign (1 of 4 stars; one submission).

gnomAD v4.1: 973 of 1,610,126 alleles (0.06%); highest among the groups gnomAD compares: African/African-American, 1.1%; 5 homozygotes.

Submission:

CeGaT Center for Human Genetics Tuebingen
Classification: Likely benign. Last evaluated: 2025-04-01. Review status: criteria provided, single submitter. Criteria: CeGaT Center For Human Genetics Tuebingen Variant Classification Criteria Version 2. Collection method: clinical testing. Allele origin: germline. Affected: yes. Observed: 1 variant allele.
Comment: PLXNA4: BS1

NM_020911.2(PLXNA4):c.4066G>A (p.Ala1356Thr)

Gene: PLXNA4 (plexin A4; minus strand). Cytogenetic location: 7q32.3.
Variant type: single nucleotide variant.
Coding change: c.4066G>A on transcript NM_020911.2 (MANE Select); coding-DNA position 4066, G replaced by A.
Protein change: p.Ala1356Thr; replaces alanine 1356 with threonine.
Molecular consequence: missense variant.
Genome position (GRCh38, 1-based): chr7:132,168,524, C>T on the plus strand (G>A on the coding strand, the complement: PLXNA4 is on the minus strand). VCF-style: chr7-132168524-C-T. GRCh37 (hg19) VCF-style: chr7-131853283-C-T.
Other names: c.4066G>A, p.Ala1356Thr (NM_001393897.1); short protein forms A1356T.
Identifiers: ClinVar variation 3905109 (VCV003905109.10).